The following is an entry in ClinVar:

ClinVar aggregate classification (germline): Conflicting classifications of pathogenicity. Review status: criteria provided, conflicting classifications (1 of 4 stars). 3 submissions from 3 submitters: Uncertain significance (2); Likely benign (1). Last evaluated 2023-11-04.

Conditions:
Hereditary cancer-predisposing syndrome. Also called: Tumor predisposition; Neoplastic Syndromes, Hereditary; Hereditary neoplastic syndrome; Hereditary Cancer Syndrome. Identifiers: Orphanet 140162, MedGen C0027672, MeSH D009386, MONDO:0015356.

Submissions (3):

Ambry Genetics
Classification: Uncertain significance for Hereditary cancer-predisposing syndrome. Last evaluated: 2023-11-04. Review status: criteria provided, single submitter. Criteria: Ambry Variant Classification Scheme 2023. Collection method: clinical testing. Allele origin: germline.
Comment: The p.E1302D variant (also known as c.3906A>T), located in coding exon 9 of the BRCA1 gene, results from an A to T substitution at nucleotide position 3906. The glutamic acid at codon 1302 is replaced by aspartic acid, an amino acid with highly similar properties. This amino acid position is conserved. In addition, this alteration is predicted to be tolerated by in silico analysis. Since supporting evidence is limited at this time, the clinical significance of this alteration remains unclear.

University of Washington Department of Laboratory Medicine, University of Washington
Classification: Likely benign for Hereditary cancer-predisposing syndrome. Last evaluated: 2023-03-23. Review status: criteria provided, single submitter. Criteria: Dines et al. (Genet Med. 2020). Collection method: curation. Allele origin: germline.
Comment: Missense variant in a coldspot region where missense variants are very unlikely to be pathogenic (PMID:31911673).

BRCA1 coldspot (exon 11 using historical exon numbering). Reclassification based on statistical prior probability

Color Diagnostics, LLC DBA Color Health
Classification: Uncertain significance for Hereditary cancer-predisposing syndrome. Last evaluated: 2019-04-23. Review status: criteria provided, single submitter. Criteria: ACMG Guidelines, 2015. Collection method: clinical testing. Allele origin: germline.

NM_007294.4(BRCA1):c.3906A>T (p.Glu1302Asp)

Genes: BRCA1 (BRCA1 DNA repair associated; minus strand), LOC126862571 (BRD4-independent group 4 enhancer GRCh37_chr17:41243136-41244335; plus strand). Cytogenetic location: 17q21.31.
Variant type: single nucleotide variant.
Coding change: c.3906A>T on transcript NM_007294.4 (MANE Select); coding-DNA position 3906, A replaced by T.
Protein change: p.Glu1302Asp; replaces glutamic acid 1302 with aspartic acid.
Molecular consequence: missense variant. On other transcripts: intron variant (135).
Genome position (GRCh38, 1-based): chr17:43,091,625, T>A on the plus strand (A>T on the coding strand, the complement: BRCA1 is on the minus strand). VCF-style: chr17-43091625-T-A. GRCh37 (hg19) VCF-style: chr17-41243642-T-A.
Other names: c.3573A>T, p.Glu1191Asp (NM_001407947.1, NM_001407948.1, NM_001407949.1 and 6 more transcripts); c.3570A>T, p.Glu1190Asp (NM_001407954.1, NM_001407955.1, NM_001407956.1 and 1 more transcripts); c.3525A>T, p.Glu1175Asp (NM_001407959.1, NM_001407960.1, NM_001407963.1); c.3522A>T, p.Glu1174Asp (NM_001407962.1); c.3762A>T, p.Glu1254Asp (NM_001407964.1, NM_001407740.1, NM_001407741.1 and 20 more transcripts); c.3402A>T, p.Glu1134Asp (NM_001407965.1); c.3018A>T, p.Glu1006Asp (NM_001407966.1, NM_001407967.1); c.1302A>T, p.Glu434Asp (NM_001407968.1, NM_001407969.1); and 41 more; short protein forms E1302D, E1255D, E1006D, E1174D, E1175D, E1191D, E1214D, E1231D.
Identifiers: ClinVar variation 630705 (VCV000630705.7), dbSNP rs1567789643, ClinGen allele CA10594152.